The following is an entry in ClinVar:

NM_001048174.2(MUTYH):c.1535A>G (p.Asp512Gly)

Gene: MUTYH (mutY DNA glycosylase; minus strand). Cytogenetic location: 1p34.1.
Variant type: single nucleotide variant.
Coding change: c.1535A>G on transcript NM_001048174.2 (MANE Select); coding-DNA position 1535, A replaced by G.
Protein change: p.Asp512Gly; replaces aspartic acid 512 with glycine.
Molecular consequence: missense variant. On other transcripts: non-coding transcript variant (7).
Genome position (GRCh38, 1-based): chr1:45,329,337, T>C on the plus strand (A>G on the coding strand, the complement: MUTYH is on the minus strand). VCF-style: chr1-45329337-T-C. GRCh37 (hg19) VCF-style: chr1-45795009-T-C.
Other names: c.1535A>G, p.Asp512Gly (NM_001048171.2, NM_001048173.2, NM_001293195.2 and 6 more transcripts); c.1538A>G, p.Asp513Gly (NM_001048172.2, NM_001407071.1, NM_001407078.1 and 1 more transcripts); c.1619A>G, p.Asp540Gly (NM_001128425.2); c.1580A>G, p.Asp527Gly (NM_001293190.2); c.1568A>G, p.Asp523Gly (NM_001293191.2, NM_001407069.1, NM_001407077.1); c.1259A>G, p.Asp420Gly (NM_001293192.2, NM_001293196.2, NM_001407091.1); c.1190A>G, p.Asp397Gly (NM_001350650.2, NM_001350651.2, NM_001407082.1); c.1451A>G, p.Asp484Gly (NM_001407075.1); and 5 more; short protein forms D484G, D519G, D540G, D420G, D513G, D523G, D526G, D537G.
Identifiers: ClinVar variation 4113451 (VCV004113451.1).

ClinVar aggregate classification (germline): Uncertain significance (1 of 4 stars; one submission).

Conditions:
Hereditary cancer-predisposing syndrome. Also called: Hereditary neoplastic syndrome; Neoplastic Syndromes, Hereditary; Tumor predisposition; Hereditary Cancer Syndrome. Identifiers: Orphanet 140162, MedGen C0027672, MeSH D009386, MONDO:0015356.

Submission:

Ambry Genetics
Classification: Uncertain significance for Hereditary cancer-predisposing syndrome. Last evaluated: 2025-08-27. Review status: criteria provided, single submitter. Criteria: Ambry Variant Classification Scheme 2023. Collection method: clinical testing. Allele origin: germline.
Comment: The p.D540G variant (also known as c.1619A>G), located in coding exon 16 of the MUTYH gene, results from an A to G substitution at nucleotide position 1619. The aspartic acid at codon 540 is replaced by glycine, an amino acid with similar properties. This amino acid position is conserved. In addition, this alteration is predicted to be tolerated by in silico analysis. Based on the available evidence, the clinical significance of this variant remains unclear.